The following is an entry in ClinVar:

ClinVar aggregate classification (germline): Uncertain significance (1 of 4 stars; one submission).

Conditions:
Norman-Roberts syndrome (LIS2). Also called: Lissencephaly 2 (Norman-Roberts type). Identifiers: Orphanet 89844, MedGen C0796089, MONDO:0009760, OMIM 257320.
Familial temporal lobe epilepsy 7. Identifiers: Orphanet 101046, MedGen C4225327, MONDO:0014639, OMIM 616436.

Allele frequency attached by ClinVar (database versions not stated): gnomAD 0.00001.

Submission:

Labcorp Genetics (formerly Invitae), Labcorp
Classification: Uncertain significance for Familial temporal lobe epilepsy 7; Norman-Roberts syndrome. Last evaluated: 2025-07-13. Review status: criteria provided, single submitter. Criteria: Invitae Variant Classification Sherloc (09022015). Collection method: clinical testing. Allele origin: germline.
Comment: This sequence change falls in intron 1 of the RELN gene. It does not directly change the encoded amino acid sequence of the RELN protein. It affects a nucleotide within the consensus splice site. This variant is present in population databases (no rsID available, gnomAD 0.007%). This variant has not been reported in the literature in individuals affected with RELN-related conditions. ClinVar contains an entry for this variant (Variation ID: 1355398). Variants that disrupt the consensus splice site are a relatively common cause of aberrant splicing (PMID: 17576681, 9536098). Algorithms developed to predict the effect of sequence changes on RNA splicing suggest that this variant is not likely to affect RNA splicing. In summary, the available evidence is currently insufficient to determine the role of this variant in disease. Therefore, it has been classified as a Variant of Uncertain Significance.

Literature cited by the submitters: PubMed 17576681; PubMed 9536098.

NM_005045.4(RELN):c.226+4G>C

Gene: RELN (reelin; minus strand). Cytogenetic location: 7q22.1.
Variant type: single nucleotide variant.
Coding change: c.226+4G>C on transcript NM_005045.4 (MANE Select); 4 bases into the intron after coding-DNA position 226, G replaced by C.
Molecular consequence: intron variant.
Genome position (GRCh38, 1-based): chr7:103,989,127, C>G on the plus strand (G>C on the coding strand, the complement: RELN is on the minus strand). VCF-style: chr7-103989127-C-G. GRCh37 (hg19) VCF-style: chr7-103629574-C-G.
Other names: c.226+4G>C (NM_173054.3).
Identifiers: ClinVar variation 1355398 (VCV001355398.6), dbSNP rs749125854, ClinGen allele CA577200734.